The following is an entry in ClinVar:

ClinVar aggregate classification (germline): Uncertain significance (1 of 4 stars; one submission).

Conditions:
Neonatal encephalomyopathy-cardiomyopathy-respiratory distress syndrome. Also called: Coenzyme Q10 deficiency, primary, 7. Identifiers: Orphanet 457185, MedGen C5568562, MONDO:0014562, OMIM 616276.

Allele frequency attached by ClinVar (database versions not stated): 1000 Genomes Project 30x 0.00031; 1000 Genomes Project 0.00020.
gnomAD v4.1: 8 of 1,612,164 alleles (0.0005%); highest among the groups gnomAD compares: East Asian, 0.0022%; no homozygotes.

Submission:

Labcorp Genetics (formerly Invitae), Labcorp
Classification: Uncertain significance for Neonatal encephalomyopathy-cardiomyopathy-respiratory distress syndrome. Last evaluated: 2022-06-22. Review status: criteria provided, single submitter. Criteria: Invitae Variant Classification Sherloc (09022015). Collection method: clinical testing. Allele origin: germline.
Comment: This sequence change replaces serine, which is neutral and polar, with cysteine, which is neutral and slightly polar, at codon 45 of the COQ4 protein (p.Ser45Cys). This variant is present in population databases (rs377735694, gnomAD 0.006%). This variant has not been reported in the literature in individuals affected with COQ4-related conditions. Algorithms developed to predict the effect of missense changes on protein structure and function are either unavailable or do not agree on the potential impact of this missense change (SIFT: "Deleterious"; PolyPhen-2: "Probably Damaging"; Align-GVGD: "Class C15"). In summary, the available evidence is currently insufficient to determine the role of this variant in disease. Therefore, it has been classified as a Variant of Uncertain Significance.

NM_016035.5(COQ4):c.134C>G (p.Ser45Cys)

Genes: COQ4 (coenzyme Q4; plus strand), LOC130002704 (ATAC-STARR-seq lymphoblastoid silent region 20335; plus strand). Cytogenetic location: 9q34.11.
Variant type: single nucleotide variant.
Coding change: c.134C>G on transcript NM_016035.5 (MANE Select); coding-DNA position 134, C replaced by G.
Protein change: p.Ser45Cys; replaces serine 45 with cysteine.
Molecular consequence: missense variant.
Genome position (GRCh38, 1-based): chr9:128,323,079, C>G. VCF-style: chr9-128323079-C-G. GRCh37 (hg19) VCF-style: chr9-131085358-C-G.
Other names: c.134C>G, p.Ser45Cys (NM_001305942.2); short protein forms S45C.
Identifiers: ClinVar variation 2139543 (VCV002139543.1), dbSNP rs377735694, ClinGen allele CA200333389.